The following is an entry in ClinVar:

NM_033064.5(ATCAY):c.98G>A (p.Gly33Glu)

Gene: ATCAY (ATCAY kinesin light chain interacting caytaxin; plus strand). Cytogenetic location: 19p13.3.
Variant type: single nucleotide variant.
Coding change: c.98G>A on transcript NM_033064.5 (MANE Select); coding-DNA position 98, G replaced by A.
Protein change: p.Gly33Glu; replaces glycine 33 with glutamic acid.
Molecular consequence: missense variant.
Genome position (GRCh38, 1-based): chr19:3,902,507, G>A. VCF-style: chr19-3902507-G-A. GRCh37 (hg19) VCF-style: chr19-3902505-G-A.
Other names: NC_000019.9:g.3902505G>A; p.Gly33Glu; short protein forms G33E.
Identifiers: ClinVar variation 715321 (VCV000715321.10), dbSNP rs147031440, ClinGen allele CA9087030.

ClinVar aggregate classification (germline): Conflicting classifications of pathogenicity. Review status: criteria provided, conflicting classifications (1 of 4 stars). 4 submissions from 4 submitters: Uncertain significance (3); Benign (1). Last evaluated 2025-05-26.

Conditions:
Inborn genetic diseases. Identifiers: MedGen C0950123, MeSH D030342.
Cayman type cerebellar ataxia. Also called: Cayman ataxia. Identifiers: Orphanet 94122, MedGen C1832585, MONDO:0011025, OMIM 601238.

Allele frequency attached by ClinVar (database versions not stated): gnomAD exomes 0.00045; 1000 Genomes Project 0.00140; 1000 Genomes Project 30x 0.00156; ExAC 0.00157; gnomAD 0.00266 and 0.00290; TOPMed 0.00276; ESP Exome Variant Server 0.00328.
gnomAD v4.1: 770 of 1,580,426 alleles (0.049%); highest among the groups gnomAD compares: African/African-American, 0.96%; 2 homozygotes.

Submissions (5):

Mayo Clinic Laboratories, Mayo Clinic
Classification: Uncertain significance. Last evaluated: 2025-05-26. Review status: criteria provided, single submitter. Criteria: ACMG Guidelines, 2015. Collection method: clinical testing. Allele origin: germline. Observed: 1 variant allele.
Comment: BP4

Ambry Genetics
Classification: Uncertain significance for Inborn genetic diseases. Last evaluated: 2024-06-13. Review status: criteria provided, single submitter. Criteria: Ambry Variant Classification Scheme 2023. Collection method: clinical testing. Allele origin: germline.

Labcorp Genetics (formerly Invitae), Labcorp
Classification: Benign. Last evaluated: 2018-12-05. Review status: criteria provided, single submitter. Criteria: Invitae Variant Classification Sherloc (09022015). Collection method: clinical testing. Allele origin: germline.

Illumina Laboratory Services, Illumina
Classification: Uncertain significance for Cayman type cerebellar ataxia. Last evaluated: 2017-04-28. Review status: criteria provided, single submitter. Criteria: ICSL Variant Classification Criteria 13 December 2019. Collection method: clinical testing. Allele origin: germline.

Dr. Peter K. Rogan Lab, Western University
No classification provided (evidence only). Condition: Familial cancer of breast. Review status: no classification provided. Collection method: in vitro. Allele origin: not applicable. Functional consequence: retained intron. Not counted in ClinVar's aggregate classification.